The following is an entry in ClinVar:

ClinVar aggregate classification (germline): Uncertain significance (1 of 4 stars; one submission).

gnomAD v4.1: 1 of 1,614,200 alleles (0.000062%); highest among the groups gnomAD compares: Admixed American, 0.0017%; no homozygotes.

Submission:

Labcorp Genetics (formerly Invitae), Labcorp
Classification: Uncertain significance. Last evaluated: 2025-11-09. Review status: criteria provided, single submitter. Criteria: Invitae Variant Classification Sherloc (09022015). Collection method: clinical testing. Allele origin: germline.
Comment: This sequence change replaces glycine, which is neutral and non-polar, with glutamic acid, which is acidic and polar, at codon 1158 of the CDK13 protein (p.Gly1158Glu). This variant is not present in population databases (gnomAD no frequency). This variant has not been reported in the literature in individuals affected with CDK13-related conditions. Invitae Evidence Modeling of protein sequence and biophysical properties (such as structural, functional, and spatial information, amino acid conservation, physicochemical variation, residue mobility, and thermodynamic stability) indicates that this missense variant is not expected to disrupt CDK13 protein function with a negative predictive value of 95%. In summary, the available evidence is currently insufficient to determine the role of this variant in disease. Therefore, it has been classified as a Variant of Uncertain Significance.

NM_003718.5(CDK13):c.3473G>A (p.Gly1158Glu)

Gene: CDK13 (cyclin dependent kinase 13; plus strand). Cytogenetic location: 7p14.1.
Variant type: single nucleotide variant.
Coding change: c.3473G>A on transcript NM_003718.5 (MANE Select); coding-DNA position 3473, G replaced by A.
Protein change: p.Gly1158Glu; replaces glycine 1158 with glutamic acid.
Molecular consequence: missense variant.
Genome position (GRCh38, 1-based): chr7:40,093,022, G>A. VCF-style: chr7-40093022-G-A. GRCh37 (hg19) VCF-style: chr7-40132621-G-A.
Other names: c.3293G>A, p.Gly1098Glu (NM_031267.4); short protein forms G1098E, G1158E.
Identifiers: ClinVar variation 4759698 (VCV004759698.1).